The following is an entry in ClinVar:

ClinVar aggregate classification (germline): Pathogenic. Review status: criteria provided, multiple submitters, no conflicts (2 of 4 stars). 2 submissions from 2 submitters: Pathogenic (2). Last evaluated 2024-10-09.

Conditions:
Autosomal dominant polycystic kidney disease. Identifiers: Orphanet 730, MedGen C0085413, MONDO:0004691.
Polycystic kidney disease 2 (PKD2). Also called: POLYCYSTIC KIDNEY DISEASE, ADULT, TYPE II; Polycystic Kidney Disease 2, Autosomal Dominant; POLYCYSTIC KIDNEY DISEASE 2 WITH OR WITHOUT POLYCYSTIC LIVER DISEASE. Identifiers: MedGen C2751306, MONDO:0013131, OMIM 613095.

Submissions (2):

Victorian Clinical Genetics Services, Murdoch Childrens Research Institute
Classification: Pathogenic for Polycystic kidney disease 2. Last evaluated: 2024-10-09. Review status: criteria provided, single submitter. Criteria: ACMG Guidelines, 2015. Collection method: clinical testing. Allele origin: germline. Inheritance: Autosomal dominant inheritance. Affected: yes.
Comment: Based on the classification scheme VCGS_Germline_v1.3.4, this variant is classified as Pathogenic. Following criteria are met: 0102 - Loss of function is a known mechanism of disease in this gene and is associated with polycystic kidney disease 2 (MIM#613095). (I) 0107 - This gene is associated with autosomal dominant disease. (I) 0201 - Variant is predicted to cause nonsense-mediated decay (NMD) and loss of protein (premature termination codon is located at least 54 nucleotides upstream of the final exon-exon junction). (SP) 0251 - This variant is heterozygous. (I) 0301 - Variant is absent from gnomAD (v2, v3 and v4). (SP) 0701 - Other NMD-predicted variants comparable to the one identified in this case have very strong previous evidence for pathogenicity (DECIPHER). (SP) 0807 - This variant has no previous evidence of pathogenicity. (I) 0905 - No published segregation evidence has been identified for this variant. (I) 1007 - No published functional evidence has been identified for this variant. (I) 1208 - Inheritance information for this variant is not currently available in this individual. (I) Legend: (SP) - Supporting pathogenic, (I) - Information, (SB) - Supporting benign

Molecular Genetics, Royal Melbourne Hospital
Classification: Pathogenic for Autosomal dominant polycystic kidney disease. Last evaluated: 2024-10-03. Review status: criteria provided, single submitter. Criteria: ACMG Guidelines, 2015. Collection method: clinical testing. Allele origin: germline. Inheritance: Autosomal dominant inheritance. Affected: yes.
Comment: This sequence change in PKD2 is a nonsense variant predicted to create a premature stop codon, p.(Trp118*), in biologically relevant exon 1/15 leading to nonsense-mediated decay in a gene in which loss-of-function is an established disease mechanism (PMID: 8650545, 9402976). Loss-of-function variants are a well-established cause of disease in exon 1 (ClinVar). This variant is absent from the population database gnomAD v4.1. To our knowledge, this variant has not been previously reported in the relevant scientific literature or databases. Based on the classification scheme RMH Modified ACMG/AMP Guidelines v1.7.0, this variant is classified as PATHOGENIC. Following criteria are met: PVS1, PS4_Supporting, PM5_Supporting, PM2_Supporting.

Literature cited by the submitters: PubMed 8650545 (cited by Molecular Genetics, Royal Melbourne Hospital); PubMed 9402976 (cited by Molecular Genetics, Royal Melbourne Hospital).

NM_000297.4(PKD2):c.354G>A (p.Trp118Ter)

Genes: PKD2 (polycystin 2, transient receptor potential cation channel; plus strand), LOC129992813 (ATAC-STARR-seq lymphoblastoid silent region 15559; plus strand). Cytogenetic location: 4q22.1.
Variant type: single nucleotide variant.
Coding change: c.354G>A on transcript NM_000297.4 (MANE Select); coding-DNA position 354, G replaced by A.
Protein change: p.Trp118Ter; replaces tryptophan 118 with a stop codon.
Molecular consequence: nonsense. On other transcripts: non-coding transcript variant (1).
Genome position (GRCh38, 1-based): chr4:88,008,087, G>A. VCF-style: chr4-88008087-G-A. GRCh37 (hg19) VCF-style: chr4-88929239-G-A.
Other names: short protein forms W118*.
Identifiers: ClinVar variation 3376972 (VCV003376972.2).